The following is an entry in ClinVar:

ClinVar aggregate classification (germline): Pathogenic. Review status: criteria provided, single submitter (1 of 4 stars). 2 submissions from 2 submitters: Pathogenic (1). 1 of the submissions does not count toward it. Last evaluated 2022-01-01.

Conditions:
Hereditary spastic paraplegia 7 (SPG7). Also called: SPASTIC PARAPLEGIA 7, AUTOSOMAL RECESSIVE, WITH OR WITHOUT CEREBELLAR ATAXIA; Spastic paraplegia 7; Hereditary spastic paraplegia Paraplegin type; SPG7-related neurologic disorder; Autosomal recessive spastic paraplegia type 7. Identifiers: Orphanet 99013, MedGen C1846564, MONDO:0011803, OMIM 607259.

Submissions (2):

PROSPAX: an integrated multimodal progression  chart in spastic ataxias, Center for Neurology; Hertie-Institute for Clinical Brain Research
Classification: Pathogenic for Hereditary spastic paraplegia 7. Last evaluated: 2022-01-01. Review status: criteria provided, single submitter. Criteria: ACMG Guidelines, 2015. Collection method: research. Allele origin: germline. Affected: yes.
Comment: Variant seen in compound het: [c.1742_1744del;c.850_851delTTinsC]

OMIM
Classification: Pathogenic for SPASTIC PARAPLEGIA 7, AUTOSOMAL RECESSIVE, WITH CEREBELLAR ATAXIA. Last evaluated: 2006-03-14. Review status: no assertion criteria provided. Collection method: literature only. Allele origin: germline. Not counted in ClinVar's aggregate classification.

Literature cited by the submitters: PubMed 16534102 (cited by OMIM).

NM_003119.4(SPG7):c.1739TGG[1] (p.Val581del)

Gene: SPG7 (SPG7 matrix AAA peptidase subunit, paraplegin; plus strand). Cytogenetic location: 16q24.3.
Variant type: Microsatellite.
Coding change: c.1739TGG[1] on transcript NM_003119.4 (MANE Select); one copy of the 3-base unit TGG starting at c.1739; the reference has two copies in a row; one copy, 3 bases deleted; also written c.1742_1744del.
Protein change: p.Val581del; deletes valine 581.
Molecular consequence: inframe deletion.
Genome position (GRCh38, 1-based): chr16:89,550,572-89,550,574, TGG deleted; deleting any 3 consecutive bases within chr16:89,550,569-89,550,574 gives the same sequence; the position shown is the placement nearest the transcript's 3' end. VCF-style (leftmost placement, unchanged base first): chr16-89550568-TTGG-T. GRCh37 (hg19) VCF-style: chr16-89616976-TTGG-T.
Other names: c.1742_1744del (NM_003119.2); c.1739TGG[1], p.Val581del (NM_001363850.1); short protein forms V581del.
Identifiers: ClinVar variation 6814 (VCV000006814.3), dbSNP rs1597661607, ClinGen allele CA913185040.
Genomic context (GRCh38, chr16:89,550,568, plus strand): 5'-AGCAAGATCCTGTCCAAGGAAGAACAGAAAGTGGTTGCGTTTCATGAGTCGGGCCACGCC[TTGG>T]TGGGCTGGATGCTGGAGCACACGGAGGCCGTGATGAAGGTGGGTCTTGGCAGGTGCCGGC-3'